The following is an entry in ClinVar:

ClinVar aggregate classification (germline): Pathogenic (0 of 4 stars; one submission).

Conditions:
Leukocyte adhesion deficiency 1 (LAD1). Also called: LEUKOCYTE ADHESION DEFICIENCY, TYPE I; LAD 1; Lymphocyte function-associated antigen 1 immunodeficiency; LFA 1 immunodeficiency. Identifiers: Orphanet 2968, Orphanet 99842, MedGen C0398738, MONDO:0007293, OMIM 116920.

Submission:

Genomic Research Center, Shahid Beheshti University of Medical Sciences
Classification: Pathogenic for Leukocyte adhesion deficiency type 1. Review status: no assertion criteria provided. Collection method: not provided. Allele origin: inherited. Study: Mutation spectra of the ITGB2 gene in Iranian families with leukocyte adhesion deficiency type 1.
ClinVar note: Converted during submission from pathogenic to Pathogenic.

NM_000211.5(ITGB2):c.1907del (p.Lys636fs)

Gene: ITGB2 (integrin subunit beta 2; minus strand). Cytogenetic location: 21q22.3.
Variant type: Deletion.
Coding change: c.1907del on transcript NM_000211.5 (MANE Select); coding-DNA position 1907, one base deleted (A; older notation c.1907delA).
Protein change: p.Lys636fs; shifts the reading frame from lysine 636.
Molecular consequence: frameshift variant.
Genome position (GRCh38, 1-based): chr21:44,888,866, T deleted on the plus strand (A on the coding strand, the reverse complement: ITGB2 is on the minus strand); the first of 4 consecutive T bases (chr21:44,888,866-44,888,869); deleting any one gives the same sequence. VCF-style (leftmost placement, unchanged base first): chr21-44888865-CT-C. GRCh37 (hg19) VCF-style: chr21-46308780-CT-C.
Other names: c.1907del (LRG_76t1); c.1907del, p.Lys636fs (NM_001127491.3); c.1700del, p.Lys567fs (NM_001303238.2); short protein forms K567fs, K636fs.
Identifiers: ClinVar variation 100750 (VCV000100750.4), dbSNP rs483352819, ClinGen allele CA249762.
Genomic context (GRCh38, chr21:44,888,865, plus strand): 5'-GGGGTTGTTCGACAGCTGCAGGCCCGGACACGCCGCGCTGCAGTTCTTCCCAAAGGGGCC[CT>C]TTTCGAACTTCAGGCACTCGGCGCAGGAGCTGCGGGGAGCCAGGTGTGAGCATCGGTGCC-3'